The following is an entry in ClinVar:

NM_005751.5(AKAP9):c.10600del (p.Ser3534fs)

Gene: AKAP9 (A-kinase anchoring protein 9; plus strand). Cytogenetic location: 7q21.2.
Variant type: Deletion.
Coding change: c.10600del on transcript NM_005751.5 (MANE Select); coding-DNA position 10600, one base deleted (T; older notation c.10600delT).
Protein change: p.Ser3534fs; shifts the reading frame from serine 3534.
Molecular consequence: frameshift variant.
Genome position (GRCh38, 1-based): chr7:92,097,787, T deleted. VCF-style (leftmost placement, unchanged base first): chr7-92097786-CT-C. GRCh37 (hg19) VCF-style: chr7-91727100-CT-C.
Other names: c.5245del, p.Ser1749fs (NM_001379277.1); c.10576del, p.Ser3526fs (NM_147185.3); short protein forms S3534fs, S1749fs, S3526fs.
Identifiers: ClinVar variation 2707770 (VCV002707770.3), dbSNP rs2535303247, ClinGen allele CA2697557393.

ClinVar aggregate classification (germline): Uncertain significance (1 of 4 stars; one submission).

Conditions:
Long QT syndrome (LQTS). Identifiers: MedGen C0023976, MeSH D008133, MONDO:0002442. Disease mechanism: loss of function. Inheritance: Various modes of inheritance.

Submission:

Labcorp Genetics (formerly Invitae), Labcorp
Classification: Uncertain significance for Long QT syndrome. Last evaluated: 2024-01-05. Review status: criteria provided, single submitter. Criteria: Invitae Variant Classification Sherloc (09022015). Collection method: clinical testing. Allele origin: germline.
Comment: This sequence change creates a premature translational stop signal (p.Ser3534Leufs*31) in the AKAP9 gene. It is expected to result in an absent or disrupted protein product. However, the current clinical and genetic evidence is not sufficient to establish whether loss-of-function variants in AKAP9 cause disease. This variant is not present in population databases (gnomAD no frequency). This variant has not been reported in the literature in individuals affected with AKAP9-related conditions. In summary, the available evidence is currently insufficient to determine the role of this variant in disease. Therefore, it has been classified as a Variant of Uncertain Significance.